The following is an entry in ClinVar:

NM_001927.4(DES):c.1336G>A (p.Val446Met)

Gene: DES (desmin; plus strand). Cytogenetic location: 2q35.
Variant type: single nucleotide variant.
Coding change: c.1336G>A on transcript NM_001927.4 (MANE Select); coding-DNA position 1336, G replaced by A.
Protein change: p.Val446Met; replaces valine 446 with methionine.
Molecular consequence: missense variant.
Genome position (GRCh38, 1-based): chr2:219,425,710, G>A. VCF-style: chr2-219425710-G-A. GRCh37 (hg19) VCF-style: chr2-220290432-G-A.
Other names: c.1333G>A, p.Val445Met (NM_001382708.1); c.904G>A, p.Val302Met (NM_001382709.1); c.1267G>A, p.Val423Met (NM_001382710.1); c.1315G>A, p.Val439Met (NM_001382711.1); c.1336G>A, p.Val446Met (NM_001382712.1); c.1066G>A, p.Val356Met (NM_001382713.1); short protein forms V356M, V445M, V446M, V302M, V423M, V439M.
Identifiers: ClinVar variation 4792892 (VCV004792892.1).

ClinVar aggregate classification (germline): Uncertain significance (1 of 4 stars; one submission).

Conditions:
Desmin-related myofibrillar myopathy (MFM1). Also called: Desminopathy; Desmin related myopathy (former name); Desmin storage myopathy (former name); MYOFIBRILLAR MYOPATHY WITH ARRHYTHMOGENIC RIGHT VENTRICULAR CARDIOMYOPATHY; DESMIN-RELATED MYOPATHY WITH ARRHYTHMOGENIC RIGHT VENTRICULAR CARDIOMYOPATHY; Myofibrillar myopathy 1. Identifiers: Orphanet 363543, Orphanet 98909, MedGen C1832370, MONDO:0011076, OMIM 601419.

Submission:

Labcorp Genetics (formerly Invitae), Labcorp
Classification: Uncertain significance for Desmin-related myofibrillar myopathy. Last evaluated: 2025-04-11. Review status: criteria provided, single submitter. Criteria: Invitae Variant Classification Sherloc (09022015). Collection method: clinical testing. Allele origin: germline.
Comment: This sequence change replaces valine, which is neutral and non-polar, with methionine, which is neutral and non-polar, at codon 446 of the DES protein (p.Val446Met). This variant is not present in population databases (gnomAD no frequency). This variant has not been reported in the literature in individuals affected with DES-related conditions. Invitae Evidence Modeling of protein sequence and biophysical properties (such as structural, functional, and spatial information, amino acid conservation, physicochemical variation, residue mobility, and thermodynamic stability) has been performed for this missense variant. However, the output from this modeling did not meet the statistical confidence thresholds required to predict the impact of this variant on DES protein function. In summary, the available evidence is currently insufficient to determine the role of this variant in disease. Therefore, it has been classified as a Variant of Uncertain Significance.